The following is an entry in ClinVar:

NM_015080.4(NRXN2):c.1002C>T (p.Ala334=)

Gene: NRXN2 (neurexin 2; minus strand). Cytogenetic location: 11q13.1.
Variant type: single nucleotide variant.
Coding change: c.1002C>T on transcript NM_015080.4 (MANE Select); coding-DNA position 1002, C replaced by T.
Protein change: p.Ala334=; no amino-acid change (alanine 334 retained).
Molecular consequence: synonymous variant.
Genome position (GRCh38, 1-based): chr11:64,685,796, G>A on the plus strand (C>T on the coding strand, the complement: NRXN2 is on the minus strand). VCF-style: chr11-64685796-G-A. GRCh37 (hg19) VCF-style: chr11-64453268-G-A.
Other names: c.1002C>T, p.Ala334= (NM_001376262.1, NM_001376263.1, NM_001376265.1 and 1 more transcripts); c.999C>T, p.Ala333= (NM_001376266.1); c.930C>T, p.Ala310= (NM_138732.3); c.1002C>T (NM_015080.3).
Identifiers: ClinVar variation 779942 (VCV000779942.9), dbSNP rs2285341, ClinGen allele CA6078564.

ClinVar aggregate classification (germline): Benign. Review status: criteria provided, multiple submitters, no conflicts (2 of 4 stars). 4 submissions from 4 submitters: Benign (3). 1 of the submissions does not count toward it. Last evaluated 2021-06-09.

Conditions:
NRXN2-related disorder. Also called: NRXN2-related condition.

Allele frequency attached by ClinVar (database versions not stated): gnomAD exomes 0.00698 and 0.00270; TOPMed 0.01203; 1000 Genomes Project 30x 0.01796; ESP Exome Variant Server 0.00854; ExAC 0.00713; gnomAD 0.00862 and 0.00889; 1000 Genomes Project 0.01997.
gnomAD v4.1: 5,328 of 1,614,244 alleles (0.33%); highest among the groups gnomAD compares: East Asian, 6.8%; 144 homozygotes.

Submissions (4):

GeneDx
Classification: Benign. Last evaluated: 2021-06-09. Review status: criteria provided, single submitter. Criteria: GeneDx Variant Classification Process June 2021. Collection method: clinical testing. Allele origin: germline. Affected: yes.

Labcorp Genetics (formerly Invitae), Labcorp
Classification: Benign. Last evaluated: 2019-12-31. Review status: criteria provided, single submitter. Criteria: Invitae Variant Classification Sherloc (09022015). Collection method: clinical testing. Allele origin: germline.

Breakthrough Genomics
Classification: Benign. Review status: criteria provided, single submitter. Criteria: ACMG Guidelines, 2015. Collection method: not provided. Allele origin: germline. Inheritance: Unknown mechanism. Affected: yes.

PreventionGenetics, part of Exact Sciences
Classification: Benign for NRXN2-related condition. Last evaluated: 2019-12-06. Review status: no assertion criteria provided. Collection method: clinical testing. Allele origin: germline. Not counted in ClinVar's aggregate classification.
Comment: This variant is classified as benign based on ACMG/AMP sequence variant interpretation guidelines (Richards et al. 2015 PMID: 25741868, with internal and published modifications).